The following is an entry in ClinVar:

ClinVar aggregate classification (germline): Benign (1 of 4 stars; one submission).

Conditions:
Neuropathy, hereditary sensory and autonomic, type 1C. Also called: HSAN IC; HSN IC. Identifiers: Orphanet 36386, MedGen C3150896, MONDO:0013337, OMIM 613640.

Allele frequency attached by ClinVar (database versions not stated): gnomAD 0.00549 and 0.00575; TOPMed 0.00613; 1000 Genomes Project 0.00779; 1000 Genomes Project 30x 0.00828.

Submission:

Illumina Laboratory Services, Illumina
Classification: Benign for Neuropathy, hereditary sensory and autonomic, type 1C. Last evaluated: 2018-01-13. Review status: criteria provided, single submitter. Criteria: ICSL Variant Classification Criteria 13 December 2019. Collection method: clinical testing. Allele origin: germline.
Comment: This variant was observed in the ICSL laboratory as part of a predisposition screen in an ostensibly healthy population. It had not been previously curated by ICSL or reported in the Human Gene Mutation Database (HGMD: prior to June 1st, 2018), and was therefore a candidate for classification through an automated scoring system. Utilizing variant allele frequency, disease prevalence and penetrance estimates, and inheritance mode, an automated score was calculated to assess if this variant is too frequent to cause the disease. Based on the score and internal cut-off values, a variant classified as benign is not then subjected to further curation. The score for this variant resulted in a classification of benign for this disease.

NM_004863.4(SPTLC2):c.*4276G>A

Gene: SPTLC2 (serine palmitoyltransferase long chain base subunit 2; minus strand). Cytogenetic location: 14q24.3.
Variant type: single nucleotide variant.
Coding change: c.*4276G>A on transcript NM_004863.4 (MANE Select); 4276 bases downstream of the stop codon, G replaced by A.
Molecular consequence: 3 prime UTR variant.
Genome position (GRCh38, 1-based): chr14:77,508,008, C>T on the plus strand (G>A on the coding strand, the complement: SPTLC2 is on the minus strand). VCF-style: chr14-77508008-C-T. GRCh37 (hg19) VCF-style: chr14-77974351-C-T.
Identifiers: ClinVar variation 888084 (VCV000888084.4), dbSNP rs116794186, ClinGen allele CA263819126.
Genomic context (GRCh38, chr14:77,508,008, plus strand): 5'-TTGGGTTTAAGCAATCCTCCGGCCTCAGCCTCTCAAGTAGCTGGGATTGCAGGCTGCATC[C>T]GCACCCAGCTCCTAACAATTTTTTTTCCCCCTCTTATTGAGCCAGGGTCTCACTCTGTCA-3'